The following is an entry in ClinVar:

ClinVar aggregate classification (germline): Uncertain significance. Review status: criteria provided, multiple submitters, no conflicts (2 of 4 stars). 5 submissions from 5 submitters: Uncertain significance (5). Last evaluated 2025-08-27.

Conditions:
Hereditary nonpolyposis colorectal neoplasms. Identifiers: MedGen C0009405, MeSH D003123.
Hereditary cancer-predisposing syndrome. Also called: Hereditary Cancer Syndrome; Hereditary neoplastic syndrome; Neoplastic Syndromes, Hereditary; Tumor predisposition. Identifiers: Orphanet 140162, MedGen C0027672, MeSH D009386, MONDO:0015356.
Lynch syndrome 5 (LYNCH5). Also called: Hereditary non-polyposis colorectal cancer, type 5; Colorectal cancer, hereditary nonpolyposis, type 5. Identifiers: Orphanet 144, MedGen C1833477, MONDO:0013710, OMIM 614350. Disease mechanism: loss of function.

Allele frequency attached by ClinVar (database versions not stated): TOPMed below 0.00001; gnomAD 0.00001.

Submissions (5):

Women's Health and Genetics/Laboratory Corporation of America, LabCorp
Classification: Uncertain significance. Last evaluated: 2025-08-27. Review status: criteria provided, single submitter. Criteria: LabCorp Variant Classification Summary - May 2015. Collection method: clinical testing. Allele origin: germline.
Comment: Variant summary: MSH6 c.2001T>A (p.Asp667Glu) results in a conservative amino acid change located in the DNA mismatch repair protein MutS, connector domain of the encoded protein sequence. Algorithms developed to predict the effect of missense changes on protein structure and function are either unavailable or do not agree on the potential impact of this missense change. The variant was absent in 245778 control chromosomes. The available data on variant occurrences in the general population are insufficient to allow any conclusion about variant significance. To our knowledge, no occurrence of c.2001T>A in individuals affected with MSH6-related conditions and no experimental evidence demonstrating its impact on protein function have been reported. ClinVar contains an entry for this variant (Variation ID: 455171). Based on the evidence outlined above, the variant was classified as uncertain significance.

Ambry Genetics
Classification: Uncertain significance for Hereditary cancer-predisposing syndrome. Last evaluated: 2024-09-11. Review status: criteria provided, single submitter. Criteria: Ambry Variant Classification Scheme 2023. Collection method: clinical testing. Allele origin: germline.
Comment: The p.D667E variant (also known as c.2001T>A), located in coding exon 4 of the MSH6 gene, results from a T to A substitution at nucleotide position 2001. The aspartic acid at codon 667 is replaced by glutamic acid, an amino acid with highly similar properties. This amino acid position is highly conserved in available vertebrate species. In addition, this alteration is predicted to be deleterious by in silico analysis. Based on the available evidence, the clinical significance of this variant remains unclear.

Labcorp Genetics (formerly Invitae), Labcorp
Classification: Uncertain significance for Hereditary nonpolyposis colorectal neoplasms. Last evaluated: 2024-05-15. Review status: criteria provided, single submitter. Criteria: Invitae Variant Classification Sherloc (09022015). Collection method: clinical testing. Allele origin: germline.
Comment: This sequence change replaces aspartic acid, which is acidic and polar, with glutamic acid, which is acidic and polar, at codon 667 of the MSH6 protein (p.Asp667Glu). This variant is not present in population databases (gnomAD no frequency). This variant has not been reported in the literature in individuals affected with MSH6-related conditions. ClinVar contains an entry for this variant (Variation ID: 455171). Advanced modeling of protein sequence and biophysical properties (such as structural, functional, and spatial information, amino acid conservation, physicochemical variation, residue mobility, and thermodynamic stability) performed at Invitae indicates that this missense variant is not expected to disrupt MSH6 protein function with a negative predictive value of 95%. In summary, the available evidence is currently insufficient to determine the role of this variant in disease. Therefore, it has been classified as a Variant of Uncertain Significance.

Color Diagnostics, LLC DBA Color Health
Classification: Uncertain significance for Hereditary cancer-predisposing syndrome. Last evaluated: 2023-12-05. Review status: criteria provided, single submitter. Criteria: ACMG Guidelines, 2015. Collection method: clinical testing. Allele origin: germline.
Comment: This missense variant replaces aspartic acid with glutamic acid at codon 667 of the MSH6 protein. Computational prediction suggests that this variant may have deleterious impact on protein structure and function (internally defined REVEL score threshold >= 0.7, PMID: 27666373). To our knowledge, functional studies have not been reported for this variant. This variant has not been reported in individuals affected with MSH6-related disorders in the literature. This variant has not been identified in the general population by the Genome Aggregation Database (gnomAD). The available evidence is insufficient to determine the role of this variant in disease conclusively. Therefore, this variant is classified as a Variant of Uncertain Significance.

St. Jude Molecular Pathology, St. Jude Children's Research Hospital
Classification: Uncertain significance for Lynch syndrome 5. Last evaluated: 2022-10-27. Review status: criteria provided, single submitter. Criteria: St. Jude Assertion Criteria 2020. Collection method: clinical testing. Allele origin: germline.
Comment: The MSH6 c.2001T>A (p.Asp667Glu) missense change is absent in gnomAD v2.1.1. The in silico tool REVEL predicts a deleterious effect on protein function, but to our knowledge this prediction has not been confirmed by functional studies. To our knowledge, this variant has not been reported in individuals with Lynch syndrome or constitutional mismatch repair deficiency. In summary, the evidence currently available is insufficient to determine the clinical significance of this variant. It has therefore been classified as of uncertain significance.

NM_000179.3(MSH6):c.2001T>A (p.Asp667Glu)

Gene: MSH6 (mutS homolog 6; plus strand). Cytogenetic location: 2p16.3.
Variant type: single nucleotide variant.
Coding change: c.2001T>A on transcript NM_000179.3 (MANE Select); coding-DNA position 2001, T replaced by A.
Protein change: p.Asp667Glu; replaces aspartic acid 667 with glutamic acid.
Molecular consequence: missense variant.
Genome position (GRCh38, 1-based): chr2:47,799,984, T>A. VCF-style: chr2-47799984-T-A. GRCh37 (hg19) VCF-style: chr2-48027123-T-A.
Other names: c.1611T>A, p.Asp537Glu (NM_001281492.2); c.1095T>A, p.Asp365Glu (NM_001281493.2, NM_001281494.2); short protein forms D667E, D537E, D365E.
Identifiers: ClinVar variation 455171 (VCV000455171.17), dbSNP rs1361745058, ClinGen allele CA346750667.